The following is an entry in ClinVar:

NM_001868.4(CPA1):c.1256A>G (p.Tyr419Cys)

Gene: CPA1 (carboxypeptidase A1; plus strand). Cytogenetic location: 7q32.2.
Variant type: single nucleotide variant.
Coding change: c.1256A>G on transcript NM_001868.4 (MANE Select); coding-DNA position 1256, A replaced by G.
Protein change: p.Tyr419Cys; replaces tyrosine 419 with cysteine.
Molecular consequence: missense variant.
Genome position (GRCh38, 1-based): chr7:130,388,007, A>G. VCF-style: chr7-130388007-A-G. GRCh37 (hg19) VCF-style: chr7-130027848-A-G.
Other names: short protein forms Y419C.
Identifiers: ClinVar variation 2496917 (VCV002496917.6), dbSNP rs1796502959, ClinGen allele CA369284688.

ClinVar aggregate classification (germline): Uncertain significance. Review status: criteria provided, multiple submitters, no conflicts (2 of 4 stars). 2 submissions from 2 submitters: Uncertain significance (2). Last evaluated 2025-07-15.

Conditions:
Hereditary pancreatitis (PCTT). Also called: Hereditary chronic pancreatitis; PRSS1-Related Hereditary Pancreatitis. Identifiers: Orphanet 676, MedGen C0238339, MONDO:0008185, OMIM 167800.

Allele frequency attached by ClinVar (database versions not stated): TOPMed below 0.00001; gnomAD exomes 0.00001.
gnomAD v4.1: 11 of 1,613,806 alleles (0.00068%); highest among the groups gnomAD compares: Non-Finnish European, 0.00093%; no homozygotes.

Submissions (2):

Ambry Genetics
Classification: Uncertain significance for Hereditary pancreatitis. Last evaluated: 2025-07-15. Review status: criteria provided, single submitter. Criteria: Ambry Variant Classification Scheme 2023. Collection method: clinical testing. Allele origin: germline.
Comment: The p.Y419C variant (also known as c.1256A>G), located in coding exon 10 of the CPA1 gene, results from an A to G substitution at nucleotide position 1256. The tyrosine at codon 419 is replaced by cysteine, an amino acid with highly dissimilar properties. This amino acid position is conserved. In addition, the in silico prediction for this alteration is inconclusive. Since supporting evidence is limited at this time, the clinical significance of this alteration remains unclear.

Labcorp Genetics (formerly Invitae), Labcorp
Classification: Uncertain significance. Last evaluated: 2023-05-01. Review status: criteria provided, single submitter. Criteria: Invitae Variant Classification Sherloc (09022015). Collection method: clinical testing. Allele origin: germline.
Comment: In summary, the available evidence is currently insufficient to determine the role of this variant in disease. Therefore, it has been classified as a Variant of Uncertain Significance. An algorithm developed to predict the effect of missense changes on protein structure and function (PolyPhen-2) suggests that this variant is likely to be disruptive. ClinVar contains an entry for this variant (Variation ID: 2496917). This variant has not been reported in the literature in individuals affected with CPA1-related conditions. This variant is not present in population databases (gnomAD no frequency). This sequence change replaces tyrosine, which is neutral and polar, with cysteine, which is neutral and slightly polar, at codon 419 of the CPA1 protein (p.Tyr419Cys).